The following is an entry in ClinVar:

NM_004606.5(TAF1):c.2781A>G (p.Glu927=)

Gene: TAF1 (TATA-box binding protein associated factor 1; plus strand). Cytogenetic location: Xq13.1.
Variant type: single nucleotide variant.
Coding change: c.2781A>G on transcript NM_004606.5 (MANE Select); coding-DNA position 2781, A replaced by G.
Protein change: p.Glu927=; no amino-acid change (glutamic acid 927 retained).
Molecular consequence: synonymous variant. On other transcripts: non-coding transcript variant (9).
Genome position (GRCh38, 1-based): chrX:71,389,665, A>G. VCF-style: chrX-71389665-A-G. GRCh37 (hg19) VCF-style: chrX-70609515-A-G.
Other names: c.2781A>G, p.Glu927= (NM_001286074.2); c.2718A>G, p.Glu906= (NM_138923.4).
Identifiers: ClinVar variation 2910705 (VCV002910705.3), dbSNP rs765090577, ClinGen allele CA10446929.

ClinVar aggregate classification (germline): Uncertain significance (1 of 4 stars; one submission).

Allele frequency attached by ClinVar (database versions not stated): TOPMed 0.00001; ExAC 0.00002; gnomAD exomes below 0.00001; gnomAD 0.00001.
gnomAD v4.1: 4 of 1,189,437 alleles (0.00034%); highest among the groups gnomAD compares: Admixed American, 0.0069%; no homozygotes.

Submission:

Labcorp Genetics (formerly Invitae), Labcorp
Classification: Uncertain significance. Last evaluated: 2023-12-14. Review status: criteria provided, single submitter. Criteria: Invitae Variant Classification Sherloc (09022015). Collection method: clinical testing. Allele origin: germline.
Comment: This sequence change affects codon 947 of the TAF1 mRNA. It is a 'silent' change, meaning that it does not change the encoded amino acid sequence of the TAF1 protein. It affects a nucleotide within the consensus splice site. This variant is present in population databases (rs765090577, gnomAD 0.02%), including at least one homozygous and/or hemizygous individual. This variant has not been reported in the literature in individuals affected with TAF1-related conditions. Algorithms developed to predict the effect of sequence changes on RNA splicing suggest that this variant is not likely to affect RNA splicing. In summary, the available evidence is currently insufficient to determine the role of this variant in disease. Therefore, it has been classified as a Variant of Uncertain Significance.